The following is an entry in ClinVar:

ClinVar aggregate classification (germline): Uncertain significance (1 of 4 stars; one submission).

Conditions:
Idiopathic generalized epilepsy. Also called: Generalised epilepsy; EIG. Identifiers: MedGen C0270850, MONDO:0005579, OMIM 600669.

Allele frequency attached by ClinVar (database versions not stated): gnomAD exomes below 0.00001; TOPMed below 0.00001; ExAC 0.00001; gnomAD 0.00001.
gnomAD v4.1: 2 of 1,612,424 alleles (0.00012%); highest among the groups gnomAD compares: African/African-American, 0.0027%; no homozygotes.

Submission:

Labcorp Genetics (formerly Invitae), Labcorp
Classification: Uncertain significance for Idiopathic generalized epilepsy. Last evaluated: 2020-07-09. Review status: criteria provided, single submitter. Criteria: Invitae Variant Classification Sherloc (09022015). Collection method: clinical testing. Allele origin: germline.
Comment: Algorithms developed to predict the effect of missense changes on protein structure and function output the following: SIFT: "Tolerated"; PolyPhen-2: "Benign"; Align-GVGD: "Class C0". The valine amino acid residue is found in multiple mammalian species, suggesting that this missense change does not adversely affect protein function. These predictions have not been confirmed by published functional studies and their clinical significance is uncertain. In summary, the available evidence is currently insufficient to determine the role of this variant in disease. Therefore, it has been classified as a Variant of Uncertain Significance. Algorithms developed to predict the effect of sequence changes on RNA splicing suggest that this variant may create or strengthen a splice site, but this prediction has not been confirmed by published transcriptional studies. This variant has not been reported in the literature in individuals with GABRD-related conditions. This variant is present in population databases (rs768220667, ExAC 0.01%). This sequence change replaces methionine with valine at codon 354 of the GABRD protein (p.Met354Val). The methionine residue is moderately conserved and there is a small physicochemical difference between methionine and valine.

NM_000815.5(GABRD):c.1060A>G (p.Met354Val)

Gene: GABRD (gamma-aminobutyric acid type A receptor subunit delta; plus strand). Cytogenetic location: 1p36.33.
Variant type: single nucleotide variant.
Coding change: c.1060A>G on transcript NM_000815.5 (MANE Select); coding-DNA position 1060, A replaced by G.
Protein change: p.Met354Val; replaces methionine 354 with valine.
Molecular consequence: missense variant.
Genome position (GRCh38, 1-based): chr1:2,029,983, A>G. VCF-style: chr1-2029983-A-G. GRCh37 (hg19) VCF-style: chr1-1961422-A-G.
Other names: short protein forms M354V.
Identifiers: ClinVar variation 999629 (VCV000999629.9), dbSNP rs768220667, ClinGen allele CA534902.